The following is an entry in ClinVar:

NM_018418.5(SPATA7):c.940A>C (p.Lys314Gln)

Gene: SPATA7 (spermatogenesis associated 7; plus strand). Cytogenetic location: 14q31.3.
Variant type: single nucleotide variant.
Coding change: c.940A>C on transcript NM_018418.5 (MANE Select); coding-DNA position 940, A replaced by C.
Protein change: p.Lys314Gln; replaces lysine 314 with glutamine.
Molecular consequence: missense variant.
Genome position (GRCh38, 1-based): chr14:88,429,375, A>C. VCF-style: chr14-88429375-A-C. GRCh37 (hg19) VCF-style: chr14-88895719-A-C.
Other names: c.940A>C (NM_018418.4); c.844A>C, p.Lys282Gln (NM_001040428.4); short protein forms K282Q, K314Q.
Identifiers: ClinVar variation 1001335 (VCV001001335.6), dbSNP rs751570128, ClinGen allele CA7298656.
Genomic context (GRCh38, chr14:88,429,375, plus strand): 5'-CAAAAATAAATATTTTTTTTATTGCATCCCCAGGCATCTAATTGTGTGACATATGATGCC[A>C]AAGAAAAAATAGCTCCTTTACCTTTAGAAGGGCATGACTCAACATGGGATGAGATTAAGG-3'
Protein context (NP_060888.2, residues 304-324): QASNCVTYDA[Lys314Gln]EKIAPLPLEG

ClinVar aggregate classification (germline): Uncertain significance. Review status: criteria provided, multiple submitters, no conflicts (2 of 4 stars). 3 submissions from 3 submitters: Uncertain significance (3). Last evaluated 2025-02-03.

Conditions:
Inborn genetic diseases. Identifiers: MedGen C0950123, MeSH D030342.
Leber congenital amaurosis 3 (LCA3). Also called: SPATA7-Related Retinitis Pigmentosa. Identifiers: MedGen C1858677, MONDO:0011415, OMIM 604232.

Allele frequency attached by ClinVar (database versions not stated): ExAC 0.00002; gnomAD 0.00003; gnomAD exomes 0.00003 and 0.00009; TOPMed 0.00004.
gnomAD v4.1: 125 of 1,611,952 alleles (0.0078%); highest among the groups gnomAD compares: Non-Finnish European, 0.01%; no homozygotes.

Submissions (3):

Labcorp Genetics (formerly Invitae), Labcorp
Classification: Uncertain significance for Leber congenital amaurosis 3. Last evaluated: 2025-02-03. Review status: criteria provided, single submitter. Criteria: Invitae Variant Classification Sherloc (09022015). Collection method: clinical testing. Allele origin: germline.
Comment: This sequence change replaces lysine, which is basic and polar, with glutamine, which is neutral and polar, at codon 314 of the SPATA7 protein (p.Lys314Gln). This variant is present in population databases (rs751570128, gnomAD 0.007%). This variant has not been reported in the literature in individuals affected with SPATA7-related conditions. ClinVar contains an entry for this variant (Variation ID: 1001335). Invitae Evidence Modeling of protein sequence and biophysical properties (such as structural, functional, and spatial information, amino acid conservation, physicochemical variation, residue mobility, and thermodynamic stability) indicates that this missense variant is not expected to disrupt SPATA7 protein function with a negative predictive value of 80%. In summary, the available evidence is currently insufficient to determine the role of this variant in disease. Therefore, it has been classified as a Variant of Uncertain Significance.

Blueprint Genetics
Classification: Uncertain significance. Last evaluated: 2024-04-06. Review status: criteria provided, single submitter. Criteria: ACMG Guidelines, 2015. Collection method: clinical testing. Allele origin: germline.

Ambry Genetics
Classification: Uncertain significance for Inborn genetic diseases. Last evaluated: 2022-12-19. Review status: criteria provided, single submitter. Criteria: Ambry Variant Classification Scheme 2023. Collection method: clinical testing. Allele origin: germline.